The following is an entry in ClinVar:

ClinVar aggregate classification (germline): Likely pathogenic (1 of 4 stars; one submission).

Conditions:
Thrombophilia due to protein S deficiency, autosomal recessive (THPH6). Identifiers: Orphanet 743, MedGen C3281092, MONDO:0013791, OMIM 614514. Disease mechanism: loss of function.
Thrombophilia due to protein S deficiency, autosomal dominant (THPH5). Identifiers: Orphanet 26349, Orphanet 743, MedGen C3278211, MONDO:0012868, OMIM 612336. Disease mechanism: loss of function.

Submission:

Juno Genomics, Hangzhou Juno Genomics, Inc
Classification: Likely pathogenic for Thrombophilia due to protein S deficiency, autosomal dominant; Thrombophilia due to protein S deficiency, autosomal recessive. Review status: criteria provided, single submitter. Criteria: ACMG Guidelines, 2015. Collection method: clinical testing. Allele origin: germline.
Comment: Null variant in a gene where loss of function (LOF) is a known mechanism of disease.;Absent from controls (or at extremely low frequency if recessive) in Genome Aggregation Database.

NM_000313.4(PROS1):c.465del (p.Glu155fs)

Gene: PROS1 (protein S; minus strand). Cytogenetic location: 3q11.1.
Variant type: Deletion.
Coding change: c.465del on transcript NM_000313.4 (MANE Select); coding-DNA position 465, one base deleted (A; older notation c.465delA).
Protein change: p.Glu155fs; shifts the reading frame from glutamic acid 155.
Molecular consequence: frameshift variant.
Genome position (GRCh38, 1-based): chr3:93,906,025, T deleted on the plus strand (A on the coding strand, the reverse complement: PROS1 is on the minus strand); the first of 2 consecutive T bases (chr3:93,906,025-93,906,026); deleting either gives the same sequence. VCF-style (leftmost placement, unchanged base first): chr3-93906024-AT-A. GRCh37 (hg19) VCF-style: chr3-93624868-AT-A.
Other names: c.561del, p.Glu187fs (NM_001314077.2); short protein forms E155fs, E187fs.
Identifiers: ClinVar variation 5006705 (VCV005006705.2).